The following is an entry in ClinVar:

NM_130783.5(TSPAN18):c.117C>T (p.Thr39=)

Gene: TSPAN18 (tetraspanin 18; plus strand). Cytogenetic location: 11p11.2.
Variant type: single nucleotide variant.
Coding change: c.117C>T on transcript NM_130783.5 (MANE Select); coding-DNA position 117, C replaced by T.
Protein change: p.Thr39=; no amino-acid change (threonine 39 retained).
Molecular consequence: synonymous variant.
Genome position (GRCh38, 1-based): chr11:44,909,758, C>T. VCF-style: chr11-44909758-C-T. GRCh37 (hg19) VCF-style: chr11-44931309-C-T.
Identifiers: ClinVar variation 3048045 (VCV003048045.2), dbSNP rs755992011, ClinGen allele CA5956364.
Genomic context (GRCh38, chr11:44,909,758, plus strand): 5'-CGAGCAGCTGGGCGGGGCCTGCCTGCTGGCCATCGGCATCTGGGTCATGGTGGACCCCAC[C>T]GGCTTCCGGGAGATCGTGGCTGCCAATCCTCTGCTCCTCACGGGCGCCTACATCCTCCTG-3'
Protein context (NP_570139.3, residues 29-49): AIGIWVMVDP[Thr39=]GFREIVAANP

ClinVar aggregate classification (germline): Likely benign (0 of 4 stars; one submission).

Conditions:
TSPAN18-related disorder. Also called: TSPAN18-related condition.

Allele frequency attached by ClinVar (database versions not stated): gnomAD 0.00001; gnomAD exomes 0.00002; ExAC 0.00003; TOPMed 0.00005.
gnomAD v4.1: 37 of 1,613,468 alleles (0.0023%); highest among the groups gnomAD compares: Admixed American, 0.02%; no homozygotes.

Submission:

PreventionGenetics, part of Exact Sciences
Classification: Likely benign for TSPAN18-related condition. Last evaluated: 2019-12-02. Review status: no assertion criteria provided. Collection method: clinical testing. Allele origin: germline.
Comment: This variant is classified as likely benign based on ACMG/AMP sequence variant interpretation guidelines (Richards et al. 2015 PMID: 25741868, with internal and published modifications).